The following is an entry in ClinVar:

ClinVar aggregate classification (germline): Uncertain significance (1 of 4 stars; one submission).

Conditions:
Anemia, nonspherocytic hemolytic, due to G6PD deficiency (CNSHA1). Also called: Favism, susceptibility to; Class I glucose-6-phosphate dehydrogenase deficiency; Hemolytic anemia due to G6PD deficiency; ANEMIA, CONGENITAL, NONSPHEROCYTIC HEMOLYTIC, 1. Identifiers: Orphanet 466026, MedGen C2720289, MONDO:0010480, OMIM 300908.

Submission:

Labcorp Genetics (formerly Invitae), Labcorp
Classification: Uncertain significance for Anemia, nonspherocytic hemolytic, due to G6PD deficiency. Last evaluated: 2024-01-02. Review status: criteria provided, single submitter. Criteria: Invitae Variant Classification Sherloc (09022015). Collection method: clinical testing. Allele origin: germline.
Comment: This sequence change replaces cysteine, which is neutral and slightly polar, with glycine, which is neutral and non-polar, at codon 358 of the G6PD protein (p.Cys358Gly). This variant is not present in population databases (gnomAD no frequency). This variant has not been reported in the literature in individuals affected with G6PD-related conditions. ClinVar contains an entry for this variant (Variation ID: 2129036). Advanced modeling of protein sequence and biophysical properties (such as structural, functional, and spatial information, amino acid conservation, physicochemical variation, residue mobility, and thermodynamic stability) performed at Invitae indicates that this missense variant is expected to disrupt G6PD protein function with a positive predictive value of 95%. In summary, the available evidence is currently insufficient to determine the role of this variant in disease. Therefore, it has been classified as a Variant of Uncertain Significance.

NM_001360016.2(G6PD):c.1072T>G (p.Cys358Gly)

Gene: G6PD (glucose-6-phosphate dehydrogenase; minus strand). Cytogenetic location: Xq28.
Variant type: single nucleotide variant.
Coding change: c.1072T>G on transcript NM_001360016.2 (MANE Select); coding-DNA position 1072, T replaced by G.
Protein change: p.Cys358Gly; replaces cysteine 358 with glycine.
Molecular consequence: missense variant.
Genome position (GRCh38, 1-based): chrX:154,532,782, A>C on the plus strand (T>G on the coding strand, the complement: G6PD is on the minus strand). VCF-style: chrX-154532782-A-C. GRCh37 (hg19) VCF-style: chrX-153760997-A-C.
Other names: c.1162T>G, p.Cys388Gly (NM_000402.4); c.1072T>G, p.Cys358Gly (NM_001042351.3); short protein forms C388G, C358G.
Identifiers: ClinVar variation 2129036 (VCV002129036.4), dbSNP rs2523263112, ClinGen allele CA415234288.
Genomic context (GRCh38, chrX:154,532,782, plus strand): 5'-CGGCCACATCATGGAACTGCAGCCTCACCTCGGCCTTGCGCTCGTTCAGGGCCTTGCCGC[A>C]GCGCAGGATGAAGGGCACCCCTACGTGGCGGAAAGGGCAGCCTCAGCACCAGCTCTCTCA-3'
Protein context (NP_001346945.1, residues 348-368): RWDGVPFILR[Cys358Gly]GKALNERKAE